The following is an entry in ClinVar:

ClinVar aggregate classification (germline): Uncertain significance (1 of 4 stars; one submission).

Submission:

Labcorp Genetics (formerly Invitae), Labcorp
Classification: Uncertain significance. Last evaluated: 2023-09-20. Review status: criteria provided, single submitter. Criteria: Invitae Variant Classification Sherloc (09022015). Collection method: clinical testing. Allele origin: germline.
Comment: This sequence change replaces isoleucine, which is neutral and non-polar, with valine, which is neutral and non-polar, at codon 1621 of the POLR1A protein (p.Ile1621Val). This variant is not present in population databases (gnomAD no frequency). This variant has not been reported in the literature in individuals affected with POLR1A-related conditions. Advanced modeling of protein sequence and biophysical properties (such as structural, functional, and spatial information, amino acid conservation, physicochemical variation, residue mobility, and thermodynamic stability) performed at Invitae indicates that this missense variant is not expected to disrupt POLR1A protein function. In summary, the available evidence is currently insufficient to determine the role of this variant in disease. Therefore, it has been classified as a Variant of Uncertain Significance.

NM_015425.6(POLR1A):c.4861A>G (p.Ile1621Val)

Gene: POLR1A (RNA polymerase I subunit A; minus strand). Cytogenetic location: 2p11.2.
Variant type: single nucleotide variant.
Coding change: c.4861A>G on transcript NM_015425.6 (MANE Select); coding-DNA position 4861, A replaced by G.
Protein change: p.Ile1621Val; replaces isoleucine 1621 with valine.
Molecular consequence: missense variant.
Genome position (GRCh38, 1-based): chr2:86,028,630, T>C on the plus strand (A>G on the coding strand, the complement: POLR1A is on the minus strand). VCF-style: chr2-86028630-T-C. GRCh37 (hg19) VCF-style: chr2-86255753-T-C.
Other names: short protein forms I1621V.
Identifiers: ClinVar variation 2721109 (VCV002721109.3), dbSNP rs2466297304, ClinGen allele CA347544649.
Genomic context (GRCh38, chr2:86,028,630, plus strand): 5'-GTGTTATCTGCAAGCTCCCCTTACCATACACGGCAAACACATCCTTGATCTCCTTCTCGA[T>C]CACCCGCAGCGCGGCCTCAATGCCATACGTGTTGGCTATGGCGTGGATGTCGTTGGAGTA-3'
Protein context (NP_056240.2, residues 1611-1631): TYGIEAALRV[Ile1621Val]EKEIKDVFAV